The following is an entry in ClinVar:

NM_017565.4(FAM20A):c.720-1G>C

Genes: FAM20A (FAM20A golgi associated secretory pathway pseudokinase; minus strand), PRKAR1A (protein kinase cAMP-dependent type I regulatory subunit alpha; plus strand). Cytogenetic location: 17q24.2.
Variant type: single nucleotide variant.
Coding change: c.720-1G>C on transcript NM_017565.4 (MANE Select); the canonical splice acceptor site of the intron before coding-DNA position 720, G replaced by C.
Molecular consequence: splice acceptor variant. On other transcripts: intron variant (1).
Genome position (GRCh38, 1-based): chr17:68,543,722, C>G on the plus strand (G>C on the coding strand, the complement: FAM20A is on the minus strand). VCF-style: chr17-68543722-C-G. GRCh37 (hg19) VCF-style: chr17-66539863-C-G.
Other names: c.974-7362C>G (NM_001276290.1); c.306-1G>C (NM_001243746.2).
Identifiers: ClinVar variation 4070949 (VCV004070949.1).

ClinVar aggregate classification (germline): Likely pathogenic (1 of 4 stars; one submission).

Conditions:
Amelogenesis imperfecta type 1G (AI1G). Also called: AMELOGENESIS IMPERFECTA, TYPE IG; AMELOGENESIS IMPERFECTA, HYPOPLASTIC, AND NEPHROCALCINOSIS; Amelogenesis imperfecta hypoplastic type, IG; Amelogenesis imperfecta and nephrocalcinosis; ENAMEL-RENAL-GINGIVAL SYNDROME; AMELOGENESIS IMPERFECTA, HYPOPLASTIC, WITH NEPHROCALCINOSIS. Identifiers: Orphanet 1031, Orphanet 171836, MedGen C2931783, MONDO:0008771, OMIM 204690. Disease mechanism: loss of function.

gnomAD v4.1: 4 of 1,613,756 alleles (0.00025%); highest among the groups gnomAD compares: Non-Finnish European, 0.00034%; no homozygotes.

Submission:

Diagnostics Services (NGS), CSIR - Centre For Cellular And Molecular Biology
Classification: Likely pathogenic for Amelogenesis imperfecta type 1G. Last evaluated: 2025-07-11. Review status: criteria provided, single submitter. Criteria: ACMG Guidelines, 2015. Collection method: clinical testing. Allele origin: germline. Affected: yes. Observed: 1 variant allele, 1 homozygote.
Comment: The c.720-1G>C variant is not present in publicly available population databases like 1000 Genomes, EVS, gnomAD, Indian Exome Database or our internal database. The variant has neither been published in the literature nor reported to clinical databases like Human Genome Mutation Database (HGMD), ClinVar or OMIM, in any affected individuals. Algorithms developed to predict the effect of sequence changes on RNA splicing suggest that this variant may disrupt the consensus splice site. In-silico pathogenicity prediction programs like HSF3.1, MutationTaster2021, CADD, Franklin, Varsome, etc, predicted this variant to be likely deleterious; however, these predictions were not confirmed by any published functional/translational studies.